The following is an entry in ClinVar:

NM_015215.4(CAMTA1):c.4210del (p.Ile1404fs)

Gene: CAMTA1 (calmodulin binding transcription activator 1; plus strand). Cytogenetic location: 1p36.23.
Variant type: Deletion.
Coding change: c.4210del on transcript NM_015215.4 (MANE Select); coding-DNA position 4210, one base deleted (A; older notation c.4210delA).
Protein change: p.Ile1404fs; shifts the reading frame from isoleucine 1404.
Molecular consequence: frameshift variant.
Genome position (GRCh38, 1-based): chr1:7,744,862, A deleted. VCF-style (leftmost placement, unchanged base first): chr1-7744861-CA-C. GRCh37 (hg19) VCF-style: chr1-7804921-CA-C.
Other names: c.4120del, p.Ile1374fs (NM_001349608.2); c.3871del, p.Ile1291fs (NM_001349609.2, NM_001349610.2); c.3781del, p.Ile1261fs (NM_001349612.2); c.1339del, p.Ile447fs (NM_001349613.1); c.1282del, p.Ile428fs (NM_001349614.1, NM_001349615.2, NM_001349616.2 and 2 more transcripts); c.943del, p.Ile315fs (NM_001349619.2, NM_001349620.1, NM_001349621.1 and 5 more transcripts); short protein forms I1261fs, I1404fs, I1291fs, I1374fs, I315fs, I428fs, I447fs.
Identifiers: ClinVar variation 658467 (VCV000658467.6), dbSNP rs1577362553, ClinGen allele CA915941112.

ClinVar aggregate classification (germline): Pathogenic (1 of 4 stars; one submission).

Submission:

Labcorp Genetics (formerly Invitae), Labcorp
Classification: Pathogenic. Last evaluated: 2018-07-25. Review status: criteria provided, single submitter. Criteria: Invitae Variant Classification Sherloc (09022015). Collection method: clinical testing. Allele origin: germline.
Comment: For these reasons, this variant has been classified as Pathogenic. Loss-of-function variants in CAMTA1 are known to be pathogenic (PMID: 22693284). This variant has not been reported in the literature in individuals with CAMTA1-related disease. This variant is not present in population databases (ExAC no frequency). This sequence change creates a premature translational stop signal (p.Ile1404Leufs*34) in the CAMTA1 gene. It is expected to result in an absent or disrupted protein product.

Literature cited by the submitters: PubMed 22693284.